The following is an entry in ClinVar:

ClinVar aggregate classification (germline): Likely benign. Review status: criteria provided, multiple submitters, no conflicts (2 of 4 stars). 2 submissions from 2 submitters: Likely benign (2). Last evaluated 2018-06-20.

Allele frequency attached by ClinVar (database versions not stated): gnomAD 0.00374 and 0.00441; gnomAD exomes 0.00383; TOPMed 0.00494; 1000 Genomes Project 30x 0.01327; 1000 Genomes Project 0.01398.
gnomAD v4.1: 3,093 of 789,104 alleles (0.39%); highest among the groups gnomAD compares: East Asian, 4.3%; 53 homozygotes.

Submissions (2):

GeneDx
Classification: Likely benign. Last evaluated: 2018-06-20. Review status: criteria provided, single submitter. Criteria: GeneDx Variant Classification (06012015). Collection method: clinical testing. Allele origin: germline. Affected: yes.
Comment: This variant is considered likely benign or benign based on one or more of the following criteria: it is a conservative change, it occurs at a poorly conserved position in the protein, it is predicted to be benign by multiple in silico algorithms, and/or has population frequency not consistent with disease.

Breakthrough Genomics
Classification: Likely benign. Review status: criteria provided, single submitter. Criteria: ACMG Guidelines, 2015. Collection method: not provided. Allele origin: germline. Inheritance: Autosomal recessive inheritance. Affected: yes.

NM_006231.4(POLE):c.579-140T>G

Gene: POLE (DNA polymerase epsilon, catalytic subunit; minus strand). Cytogenetic location: 12q24.33.
Variant type: single nucleotide variant.
Coding change: c.579-140T>G on transcript NM_006231.4 (MANE Select); 140 bases into the intron before coding-DNA position 579, T replaced by G.
Molecular consequence: intron variant.
Genome position (GRCh38, 1-based): chr12:132,677,859, A>C on the plus strand (T>G on the coding strand, the complement: POLE is on the minus strand). VCF-style: chr12-132677859-A-C. GRCh37 (hg19) VCF-style: chr12-133254445-A-C.
Identifiers: ClinVar variation 676801 (VCV000676801.2), dbSNP rs5744749, ClinGen allele CA246300670.
Genomic context (GRCh38, chr12:132,677,859, plus strand): 5'-GAGGTGAGACCAGAGTTCAAACCGAGGAAACACAAAAGGTAAATTGATGTGGTTTCAACG[A>C]CCAAGGCAGTCCTTCCTTTAAGAATGGCTTGGACTGGGCCAGGCGTGGCAGCTCACGCCT-3'